The following is an entry in ClinVar:

NM_001330288.2(SMARCC2):c.1559C>G (p.Pro520Arg)

Gene: SMARCC2 (SWI/SNF related BAF chromatin remodeling complex subunit C2; minus strand). Cytogenetic location: 12q13.2.
Variant type: single nucleotide variant.
Coding change: c.1559C>G on transcript NM_001330288.2 (MANE Select); coding-DNA position 1559, C replaced by G.
Protein change: p.Pro520Arg; replaces proline 520 with arginine.
Molecular consequence: missense variant.
Genome position (GRCh38, 1-based): chr12:56,173,787, G>C on the plus strand (C>G on the coding strand, the complement: SMARCC2 is on the minus strand). VCF-style: chr12-56173787-G-C. GRCh37 (hg19) VCF-style: chr12-56567571-G-C.
Other names: c.1559C>G, p.Pro520Arg (NM_001130420.3, NM_003075.5, NM_139067.4); short protein forms P520R.
Identifiers: ClinVar variation 3370932 (VCV003370932.1).
Genomic context (GRCh38, chr12:56,173,787, plus strand): 5'-CCTGATGGTGTGTCAGCCAAGACATGGAAGTGAGAGGTAGGCGGAGGCCCCATTGGGGTT[G>C]GTCGACTCTCAGCATCCACCTGGTAGTTAATAAGACCCCACTGTTCTAGGAAGGCATGGA-3'
Protein context (NP_001317217.1, residues 510-530): INYQVDAESR[Pro520Arg]TPMGPPPTSH

ClinVar aggregate classification (germline): Uncertain significance (1 of 4 stars; one submission).

Submission:

GeneDx
Classification: Uncertain significance. Last evaluated: 2024-03-14. Review status: criteria provided, single submitter. Criteria: GeneDx Variant Classification Process June 2021. Collection method: clinical testing. Allele origin: germline. Affected: yes.
Comment: Not observed at significant frequency in large population cohorts (gnomAD); In silico analysis supports that this missense variant has a deleterious effect on protein structure/function; Has not been previously published as pathogenic or benign to our knowledge